The following is an entry in ClinVar:

NM_000186.4(CFH):c.2189C>T (p.Ser730Leu)

Gene: CFH (complement factor H; plus strand). Cytogenetic location: 1q31.3.
Variant type: single nucleotide variant.
Coding change: c.2189C>T on transcript NM_000186.4 (MANE Select); coding-DNA position 2189, C replaced by T.
Protein change: p.Ser730Leu; replaces serine 730 with leucine.
Molecular consequence: missense variant.
Genome position (GRCh38, 1-based): chr1:196,726,893, C>T. VCF-style: chr1-196726893-C-T. GRCh37 (hg19) VCF-style: chr1-196696023-C-T.
Other names: short protein forms S730L.
Identifiers: ClinVar variation 3902289 (VCV003902289.1).

ClinVar aggregate classification (germline): Uncertain significance (1 of 4 stars; one submission).

Submission:

Women's Health and Genetics/Laboratory Corporation of America, LabCorp
Classification: Uncertain significance. Last evaluated: 2025-05-29. Review status: criteria provided, single submitter. Criteria: LabCorp Variant Classification Summary - May 2015. Collection method: clinical testing. Allele origin: germline.
Comment: Variant summary: CFH c.2189C>T (p.Ser730Leu) results in a non-conservative amino acid change in the encoded protein sequence. Algorithms developed to predict the effect of missense changes on protein structure and function are either unavailable or do not agree on the potential impact of this missense change. The variant was absent in 251188 control chromosomes. The available data on variant occurrences in the general population are insufficient to allow any conclusion about variant significance. To our knowledge, no occurrence of c.2189C>T in individuals affected with CFH-Related Disorders and no experimental evidence demonstrating its impact on protein function have been reported. No submitters have cited clinical-significance assessments for this variant to ClinVar. Based on the evidence outlined above, the variant was classified as uncertain significance.